The following is an entry in ClinVar:

NM_000258.3(MYL3):c.431G>A (p.Gly144Asp)

Gene: MYL3 (myosin light chain 3; minus strand). Cytogenetic location: 3p21.31.
Variant type: single nucleotide variant.
Coding change: c.431G>A on transcript NM_000258.3 (MANE Select); coding-DNA position 431, G replaced by A.
Protein change: p.Gly144Asp; replaces glycine 144 with aspartic acid.
Molecular consequence: missense variant.
Genome position (GRCh38, 1-based): chr3:46,859,525, C>T on the plus strand (G>A on the coding strand, the complement: MYL3 is on the minus strand). VCF-style: chr3-46859525-C-T. GRCh37 (hg19) VCF-style: chr3-46901015-C-T.
Other names: c.431G>A, p.Gly144Asp (NM_001406937.1, NM_001406938.1, NM_001406939.1); c.257G>A, p.Gly86Asp (NM_001406940.1, NM_001406941.1); short protein forms G144D, G86D.
Identifiers: ClinVar variation 3069579 (VCV003069579.1), dbSNP rs2544965052, ClinGen allele CA352496012.

ClinVar aggregate classification (germline): Uncertain significance (1 of 4 stars; one submission).

Conditions:
Hypertrophic cardiomyopathy. Also called: HYPERTROPHIC MYOCARDIOPATHY. Identifiers: Orphanet 217569, MedGen C0007194, MeSH D002312, MONDO:0005045, HP:0001639.

Submission:

All of Us Research Program, National Institutes of Health
Classification: Uncertain significance for Hypertrophic cardiomyopathy. Last evaluated: 2023-03-04. Review status: criteria provided, single submitter. Criteria: ACMG Guidelines, 2015. Collection method: clinical testing. Allele origin: germline. Inheritance: Autosomal dominant inheritance. Observed: 1 variant allele, 1 heterozygote.
Comment: This study involves interpretation of variants in research participants for the purpose of population health screening. Participant phenotype was not available at the time of variant classification. Additional details can be found in publication PMID: 35346344, PMCID: PMC8962531